The following is an entry in ClinVar:

NM_000360.4(TH):c.281C>A (p.Ser94Ter)

Gene: TH (tyrosine hydroxylase; minus strand). Cytogenetic location: 11p15.5.
Variant type: single nucleotide variant.
Coding change: c.281C>A on transcript NM_000360.4 (MANE Select); coding-DNA position 281, C replaced by A.
Protein change: p.Ser94Ter; replaces serine 94 with a stop codon.
Molecular consequence: nonsense.
Genome position (GRCh38, 1-based): chr11:2,169,681, G>T on the plus strand (C>A on the coding strand, the complement: TH is on the minus strand). VCF-style: chr11-2169681-G-T. GRCh37 (hg19) VCF-style: chr11-2190911-G-T.
Other names: c.374C>A, p.Ser125Ter (NM_199292.3); c.362C>A, p.Ser121Ter (NM_199293.3); short protein forms S121*, S125*, S94*.
Identifiers: ClinVar variation 1371019 (VCV001371019.6), dbSNP rs760640869, ClinGen allele CA379112174.

ClinVar aggregate classification (germline): Pathogenic (1 of 4 stars; one submission).

Conditions:
TH-deficient dopa-responsive dystonia. Also called: Tyrosine Hydroxylase-Deficient Dopa-Responsive Dystonia; Segawa syndrome, autosomal recessive; DYT-TH. Identifiers: Orphanet 101150, MedGen C2673535, MONDO:0011551, OMIM 605407.

gnomAD v4.1: 1 of 1,613,392 alleles (0.000062%); highest among the groups gnomAD compares: East Asian, 0.0022%; no homozygotes.

Submission:

Labcorp Genetics (formerly Invitae), Labcorp
Classification: Pathogenic for TH-deficient dopa-responsive dystonia. Last evaluated: 2024-02-02. Review status: criteria provided, single submitter. Criteria: Invitae Variant Classification Sherloc (09022015). Collection method: clinical testing. Allele origin: germline.
Comment: This sequence change creates a premature translational stop signal (p.Ser125*) in the TH gene. It is expected to result in an absent or disrupted protein product. Loss-of-function variants in TH are known to be pathogenic (PMID: 22264700, 24753243). This variant is not present in population databases (gnomAD no frequency). This variant has not been reported in the literature in individuals affected with TH-related conditions. ClinVar contains an entry for this variant (Variation ID: 1371019). For these reasons, this variant has been classified as Pathogenic.

Literature cited by the submitters: PubMed 22264700; PubMed 24753243.